The following is an entry in ClinVar:

ClinVar aggregate classification (germline): Uncertain significance. Review status: criteria provided, multiple submitters, no conflicts (2 of 4 stars). 3 submissions from 3 submitters: Uncertain significance (3). Last evaluated 2025-12-24.

Allele frequency attached by ClinVar (database versions not stated): ExAC 0.00002.
gnomAD v4.1: 14 of 1,613,982 alleles (0.00087%); highest among the groups gnomAD compares: East Asian, 0.0089%; no homozygotes.

Submissions (3):

Labcorp Genetics (formerly Invitae), Labcorp
Classification: Uncertain significance. Last evaluated: 2025-12-24. Review status: criteria provided, single submitter. Criteria: Invitae Variant Classification Sherloc (09022015). Collection method: clinical testing. Allele origin: germline.
Comment: This sequence change replaces arginine, which is basic and polar, with histidine, which is basic and polar, at codon 288 of the COL9A2 protein (p.Arg288His). This variant is present in population databases (rs771823937, gnomAD 0.02%). This variant has not been reported in the literature in individuals affected with COL9A2-related conditions. ClinVar contains an entry for this variant (Variation ID: 1303633). Invitae Evidence Modeling of protein sequence and biophysical properties (such as structural, functional, and spatial information, amino acid conservation, physicochemical variation, residue mobility, and thermodynamic stability) indicates that this missense variant is not expected to disrupt COL9A2 protein function with a negative predictive value of 95%. In summary, the available evidence is currently insufficient to determine the role of this variant in disease. Therefore, it has been classified as a Variant of Uncertain Significance.

Blueprint Genetics
Classification: Uncertain significance. Last evaluated: 2019-09-18. Review status: criteria provided, single submitter. Criteria: ACMG Guidelines, 2015. Collection method: clinical testing. Allele origin: germline.

GeneDx
Classification: Uncertain significance. Last evaluated: 2019-03-27. Review status: criteria provided, single submitter. Criteria: GeneDx Variant Classification Process June 2021. Collection method: clinical testing. Allele origin: germline. Affected: yes.
Comment: Not observed at a significant frequency in large population cohorts (Lek et al., 2016); In silico analysis, which includes protein predictors and evolutionary conservation, supports that this variant does not alter protein structure/function; Has not been previously published as pathogenic or benign to our knowledge

NM_001852.4(COL9A2):c.863G>A (p.Arg288His)

Gene: COL9A2 (collagen type IX alpha 2 chain; minus strand). Cytogenetic location: 1p34.2.
Variant type: single nucleotide variant.
Coding change: c.863G>A on transcript NM_001852.4 (MANE Select); coding-DNA position 863, G replaced by A.
Protein change: p.Arg288His; replaces arginine 288 with histidine.
Molecular consequence: missense variant.
Genome position (GRCh38, 1-based): chr1:40,308,229, C>T on the plus strand (G>A on the coding strand, the complement: COL9A2 is on the minus strand). VCF-style: chr1-40308229-C-T. GRCh37 (hg19) VCF-style: chr1-40773901-C-T.
Other names: short protein forms R288H.
Identifiers: ClinVar variation 1303633 (VCV001303633.7), dbSNP rs771823937, ClinGen allele CA791701.